The following is an entry in ClinVar:

ClinVar aggregate classification (germline): Uncertain significance (1 of 4 stars; one submission).

Conditions:
Long QT syndrome (LQTS). Identifiers: MedGen C0023976, MeSH D008133, MONDO:0002442. Disease mechanism: loss of function. Inheritance: Various modes of inheritance.

Submission:

Labcorp Genetics (formerly Invitae), Labcorp
Classification: Uncertain significance for Long QT syndrome. Last evaluated: 2025-12-15. Review status: criteria provided, single submitter. Criteria: Invitae Variant Classification Sherloc (09022015). Collection method: clinical testing. Allele origin: germline.
Comment: This sequence change replaces leucine, which is neutral and non-polar, with arginine, which is basic and polar, at codon 3419 of the AKAP9 protein (p.Leu3419Arg). This variant is not present in population databases (gnomAD no frequency). This variant has not been reported in the literature in individuals affected with AKAP9-related conditions. An algorithm developed to predict the effect of missense changes on protein structure and function (PolyPhen-2) suggests that this variant is likely to be disruptive. In summary, the available evidence is currently insufficient to determine the role of this variant in disease. Therefore, it has been classified as a Variant of Uncertain Significance.

NM_005751.5(AKAP9):c.10256T>G (p.Leu3419Arg)

Gene: AKAP9 (A-kinase anchoring protein 9; plus strand). Cytogenetic location: 7q21.2.
Variant type: single nucleotide variant.
Coding change: c.10256T>G on transcript NM_005751.5 (MANE Select); coding-DNA position 10256, T replaced by G.
Protein change: p.Leu3419Arg; replaces leucine 3419 with arginine.
Molecular consequence: missense variant.
Genome position (GRCh38, 1-based): chr7:92,097,215, T>G. VCF-style: chr7-92097215-T-G. GRCh37 (hg19) VCF-style: chr7-91726529-T-G.
Other names: c.4901T>G, p.Leu1634Arg (NM_001379277.1); c.10232T>G, p.Leu3411Arg (NM_147185.3); short protein forms L1634R, L3411R, L3419R.
Identifiers: ClinVar variation 4732681 (VCV004732681.1).
Genomic context (GRCh38, chr7:92,097,215, plus strand): 5'-CTGAGGGACAGAAAAAAATGCATGAGCTCCAGTCCAAAGTGGAAGATCTTCAGCGCCAGC[T>G]GGAAGAGAAAAGACAACAAGTTTATAAGTTAGACCTTGAAGGACAGCGACTACAAGGAAT-3'
Protein context (NP_005742.4, residues 3409-3429): QSKVEDLQRQ[Leu3419Arg]EEKRQQVYKL